The following is an entry in ClinVar:

ClinVar aggregate classification (germline): Uncertain significance (1 of 4 stars; one submission).

Conditions:
Charcot-Marie-Tooth disease type 2. Also called: Charcot-Marie-Tooth type 2. Identifiers: Orphanet 64746, MedGen C0270914, MONDO:0018993.

Allele frequency attached by ClinVar (database versions not stated): gnomAD exomes below 0.00001.
gnomAD v4.1: 2 of 1,610,534 alleles (0.00012%); highest among the groups gnomAD compares: Non-Finnish European, 0.00017%; no homozygotes.

Submission:

Labcorp Genetics (formerly Invitae), Labcorp
Classification: Uncertain significance for Charcot-Marie-Tooth disease type 2. Last evaluated: 2023-05-04. Review status: criteria provided, single submitter. Criteria: Invitae Variant Classification Sherloc (09022015). Collection method: clinical testing. Allele origin: germline.
Comment: In summary, the available evidence is currently insufficient to determine the role of this variant in disease. Therefore, it has been classified as a Variant of Uncertain Significance. This variant has not been reported in the literature in individuals affected with GARS-related conditions. This variant is not present in population databases (gnomAD no frequency). This sequence change creates a premature translational stop signal (p.Arg596*) in the GARS gene. It is expected to result in an absent or disrupted protein product. However, the current clinical and genetic evidence is not sufficient to establish whether loss-of-function variants in GARS cause disease.

NM_002047.4(GARS1):c.1786C>T (p.Arg596Ter)

Gene: GARS1 (glycyl-tRNA synthetase 1; plus strand). Cytogenetic location: 7p14.3.
Variant type: single nucleotide variant.
Coding change: c.1786C>T on transcript NM_002047.4 (MANE Select); coding-DNA position 1786, C replaced by T.
Protein change: p.Arg596Ter; replaces arginine 596 with a stop codon.
Molecular consequence: nonsense.
Genome position (GRCh38, 1-based): chr7:30,628,646, C>T. VCF-style: chr7-30628646-C-T. GRCh37 (hg19) VCF-style: chr7-30668262-C-T.
Other names: c.1624C>T, p.Arg542Ter (NM_001316772.1); short protein forms R542*, R596*.
Identifiers: ClinVar variation 2961222 (VCV002961222.3), dbSNP rs2534331976, ClinGen allele CA367129681.
Genomic context (GRCh38, chr7:30,628,646, plus strand): 5'-GAACCTTCCTTCGGCCTGGGTAGGATCATGTATACGGTATTTGAACATACATTCCATGTA[C>T]GAGAAGGAGATGAACAGAGAACAGTAAGTTGTTGTGTACAGTGTGCTGTTATAGTGTCAG-3'